The following is an entry in ClinVar:

NM_000535.7(PMS2):c.747C>G (p.Asp249Glu)

Gene: PMS2 (PMS1 homolog 2, mismatch repair system component; minus strand). Cytogenetic location: 7p22.1.
Variant type: single nucleotide variant.
Coding change: c.747C>G on transcript NM_000535.7 (MANE Select); coding-DNA position 747, C replaced by G.
Protein change: p.Asp249Glu; replaces aspartic acid 249 with glutamic acid.
Molecular consequence: missense variant. On other transcripts: 5 prime UTR variant (2), non-coding transcript variant (1), intron variant (3).
Genome position (GRCh38, 1-based): chr7:5,997,382, G>C on the plus strand (C>G on the coding strand, the complement: PMS2 is on the minus strand). VCF-style: chr7-5997382-G-C. GRCh37 (hg19) VCF-style: chr7-6037013-G-C.
Other names: c.342C>G, p.Asp114Glu (NM_001322003.2, NM_001322004.2, NM_001322005.2 and 19 more transcripts); c.747C>G, p.Asp249Glu (NM_001322006.2, NM_001322014.2, NM_001406870.1 and 3 more transcripts); c.429C>G, p.Asp143Glu (NM_001322007.2, NM_001322008.2, NM_001406876.1 and 4 more transcripts); c.-187C>G (NM_001322011.2, NM_001322012.2); c.174C>G, p.Asp58Glu (NM_001322013.2, NM_001406909.1); c.438C>G, p.Asp146Glu (NM_001322015.2, NM_001406875.1, NM_001406877.1 and 6 more transcripts); c.933C>G, p.Asp311Glu (NM_001406866.1); c.771C>G, p.Asp257Glu (NM_001406868.1); and 7 more; short protein forms D114E, D137E, D143E, D146E, D193E, D213E, D249E, D257E.
Identifiers: ClinVar variation 4803909 (VCV004803909.1).

ClinVar aggregate classification (germline): Uncertain significance (1 of 4 stars; one submission).

Conditions:
Hereditary nonpolyposis colorectal neoplasms. Identifiers: MedGen C0009405, MeSH D003123.

Submission:

Labcorp Genetics (formerly Invitae), Labcorp
Classification: Uncertain significance for Hereditary nonpolyposis colorectal neoplasms. Last evaluated: 2025-08-29. Review status: criteria provided, single submitter. Criteria: Invitae Variant Classification Sherloc (09022015). Collection method: clinical testing. Allele origin: germline.
Comment: This sequence change replaces aspartic acid, which is acidic and polar, with glutamic acid, which is acidic and polar, at codon 249 of the PMS2 protein (p.Asp249Glu). This variant is not present in population databases (gnomAD no frequency). This variant has not been reported in the literature in individuals affected with PMS2-related conditions. Invitae Evidence Modeling incorporating data from in vitro experimental studies (internal data) indicates that this missense variant is not expected to disrupt PMS2 function with a negative predictive value of 95%. In summary, the available evidence is currently insufficient to determine the role of this variant in disease. Therefore, it has been classified as a Variant of Uncertain Significance.